The following is an entry in ClinVar:

NM_001033044.4(GLUL):c.892C>T (p.Arg298Ter)

Gene: GLUL (glutamate-ammonia ligase; minus strand). Cytogenetic location: 1q25.3.
Variant type: single nucleotide variant.
Coding change: c.892C>T on transcript NM_001033044.4 (MANE Select); coding-DNA position 892, C replaced by T.
Protein change: p.Arg298Ter; replaces arginine 298 with a stop codon.
Molecular consequence: nonsense.
Genome position (GRCh38, 1-based): chr1:182,384,635, G>A on the plus strand (C>T on the coding strand, the complement: GLUL is on the minus strand). VCF-style: chr1-182384635-G-A. GRCh37 (hg19) VCF-style: chr1-182353770-G-A.
Other names: c.892C>T, p.Arg298Ter (NM_001033056.4, NM_002065.7); short protein forms R298*.
Identifiers: ClinVar variation 4795731 (VCV004795731.1).
Genomic context (GRCh38, chr1:182,384,635, plus strand): 5'-TGGCTACACCAGCAGAAAAGTCGTTGATGTTGGAGGTTTCATGGAATCCAGTTAGACGTC[G>A]GGCATTGTCCAGGCCTCCCTTGGGATCATAGGCACGGATGTGGTACTGGTGCCGCTTGCT-3'

ClinVar aggregate classification (germline): Uncertain significance (1 of 4 stars; one submission).

gnomAD v4.1: 1 of 1,614,068 alleles (0.000062%); highest among the groups gnomAD compares: Non-Finnish European, 0.000085%; no homozygotes.

Submission:

GeneDx
Classification: Uncertain significance. Last evaluated: 2025-08-11. Review status: criteria provided, single submitter. Criteria: GeneDx Variant Classification Process June 2021. Collection method: clinical testing. Allele origin: germline. Affected: yes.
Comment: Nonsense variant predicted to result in protein truncation as the last 76 amino acids are lost with an unclear effect on protein function; Not observed at significant frequency in large population cohorts (gnomAD); Has not been previously published as pathogenic or benign to our knowledge